The following is an entry in ClinVar:

NM_004646.4(NPHS1):c.1474C>T (p.Gln492Ter)

Gene: NPHS1 (NPHS1 adhesion molecule, nephrin; minus strand). Cytogenetic location: 19q13.12.
Variant type: single nucleotide variant.
Coding change: c.1474C>T on transcript NM_004646.4 (MANE Select); coding-DNA position 1474, C replaced by T.
Protein change: p.Gln492Ter; replaces glutamine 492 with a stop codon.
Molecular consequence: nonsense.
Genome position (GRCh38, 1-based): chr19:35,846,161, G>A on the plus strand (C>T on the coding strand, the complement: NPHS1 is on the minus strand). VCF-style: chr19-35846161-G-A. GRCh37 (hg19) VCF-style: chr19-36337063-G-A.
Other names: short protein forms Q492*.
Identifiers: ClinVar variation 5011659 (VCV005011659.1).
Genomic context (GRCh38, chr19:35,846,161, plus strand): 5'-CTCGGGAGAAGGTGCTCCCAGATTTCTCCACGCTGCCGAGATGCACGCGCCGCGACTCCT[G>A]CGGCAGCCGCGACTCGGTCACGGTGCGCGAGTCCTACGGGCCGGGAGTGACTGGGGTTCG-3'

ClinVar aggregate classification (germline): Pathogenic (1 of 4 stars; one submission).

Conditions:
Finnish congenital nephrotic syndrome (NPHS1). Also called: NEPHROTIC SYNDROME, TYPE 1. Identifiers: Orphanet 839, MedGen C0403399, MONDO:0009732, OMIM 256300.

Submission:

Myriad Genetics, Inc.
Classification: Pathogenic for Finnish congenital nephrotic syndrome. Last evaluated: 2023-09-13. Review status: criteria provided, single submitter. Criteria: Myriad Autosomal Dominant, Autosomal Recessive and X-Linked Classification Criteria (2023). Collection method: clinical testing. Allele origin: unknown.
Comment: NM_004646.3(NPHS1):c.1474C>T(Q492*) is expected to be pathogenic in the context of nephrotic syndrome, NPHS1-related. This variant is predicted to lead to an abnormal or absent protein product due to the creation of a premature termination codon in NPHS1, a gene where loss-of-function variants are known to be pathogenic. Please note: this variant was assessed in the context of healthy population screening.